The following is an entry in ClinVar:

NM_000530.8(MPZ):c.448G>T (p.Val150Leu)

Gene: MPZ (myelin protein zero; minus strand). Cytogenetic location: 1q23.3.
Variant type: single nucleotide variant.
Coding change: c.448G>T on transcript NM_000530.8 (MANE Select); coding-DNA position 448, G replaced by T.
Protein change: p.Val150Leu; replaces valine 150 with leucine.
Molecular consequence: missense variant.
Genome position (GRCh38, 1-based): chr1:161,306,708, C>A on the plus strand (G>T on the coding strand, the complement: MPZ is on the minus strand). VCF-style: chr1-161306708-C-A. GRCh37 (hg19) VCF-style: chr1-161276498-C-A.
Other names: c.448G>T, p.Val150Leu (NM_001315491.2); short protein forms V150L.
Identifiers: ClinVar variation 2172147 (VCV002172147.4), dbSNP rs1558153967, ClinGen allele CA343348085.

ClinVar aggregate classification (germline): Uncertain significance (1 of 4 stars; one submission).

Conditions:
Charcot-Marie-Tooth disease, type I (CMT1). Also called: Charcot-Marie-Tooth disease type 1; Charcot-Marie-Tooth, Type 1. Identifiers: Orphanet 65753, MedGen C0751036, MONDO:0019011.

Allele frequency attached by ClinVar (database versions not stated): gnomAD exomes below 0.00001.
gnomAD v4.1: 1 of 1,613,928 alleles (0.000062%); highest among the groups gnomAD compares: Non-Finnish European, 0.000085%; no homozygotes.

Submission:

Labcorp Genetics (formerly Invitae), Labcorp
Classification: Uncertain significance for Charcot-Marie-Tooth disease, type I. Last evaluated: 2024-06-04. Review status: criteria provided, single submitter. Criteria: Invitae Variant Classification Sherloc (09022015). Collection method: clinical testing. Allele origin: germline.
Comment: This sequence change replaces valine, which is neutral and non-polar, with leucine, which is neutral and non-polar, at codon 150 of the MPZ protein (p.Val150Leu). This variant also falls at the last nucleotide of exon 3, which is part of the consensus splice site for this exon. This variant is not present in population databases (gnomAD no frequency). This missense change has been observed in individual(s) with clinical features of Charcot-Marie-Tooth disease (PMID: 34060176). ClinVar contains an entry for this variant (Variation ID: 2172147). An algorithm developed to predict the effect of missense changes on protein structure and function (PolyPhen-2) suggests that this variant is likely to be tolerated. Variants that disrupt the consensus splice site are a relatively common cause of aberrant splicing (PMID: 17576681, 9536098). Algorithms developed to predict the effect of sequence changes on RNA splicing suggest that this variant may disrupt the consensus splice site. In summary, the available evidence is currently insufficient to determine the role of this variant in disease. Therefore, it has been classified as a Variant of Uncertain Significance.

Literature cited by the submitters: PubMed 34060176; PubMed 17576681; PubMed 9536098.